The following is an entry in ClinVar:

ClinVar aggregate classification (germline): Uncertain significance (1 of 4 stars; one submission).

Submission:

CeGaT Center for Human Genetics Tuebingen
Classification: Uncertain significance. Last evaluated: 2025-07-01. Review status: criteria provided, single submitter. Criteria: CeGaT Center For Human Genetics Tuebingen Variant Classification Criteria Version 2. Collection method: clinical testing. Allele origin: germline. Affected: yes. Observed: 1 variant allele.
Comment: ROBO1: PM2

NM_002941.4(ROBO1):c.1967A>G (p.Asp656Gly)

Gene: ROBO1 (roundabout guidance receptor 1; minus strand). Cytogenetic location: 3p12.3.
Variant type: single nucleotide variant.
Coding change: c.1967A>G on transcript NM_002941.4 (MANE Select); coding-DNA position 1967, A replaced by G.
Protein change: p.Asp656Gly; replaces aspartic acid 656 with glycine.
Molecular consequence: missense variant.
Genome position (GRCh38, 1-based): chr3:78,662,114, T>C on the plus strand (A>G on the coding strand, the complement: ROBO1 is on the minus strand). VCF-style: chr3-78662114-T-C. GRCh37 (hg19) VCF-style: chr3-78711264-T-C.
Other names: c.1859A>G, p.Asp620Gly (NM_001145845.2, NM_133631.4); short protein forms D620G, D656G.
Identifiers: ClinVar variation 4085354 (VCV004085354.8).